The following is an entry in ClinVar:

NM_001134831.2(AHI1):c.3174_3185dup (p.Leu1059_Tyr1062dup)

Gene: AHI1 (Abelson helper integration site 1; minus strand). Cytogenetic location: 6q23.3.
Variant type: Duplication.
Coding change: c.3174_3185dup on transcript NM_001134831.2 (MANE Select); coding-DNA positions 3174 to 3185, 12 bases duplicated (TCTTTATGACTA).
Protein change: p.Leu1059_Tyr1062dup.
Molecular consequence: inframe insertion.
Genome position (GRCh38, 1-based): chr6:135,323,305-135,323,316, TAGTCATAAAGA duplicated on the plus strand (TCTTTATGACTA on the coding strand, the reverse complement: AHI1 is on the minus strand). VCF-style (leftmost placement, unchanged base first): chr6-135323304-G-GTAGTCATAAAGA. GRCh37 (hg19) VCF-style: chr6-135644442-G-GTAGTCATAAAGA.
Other names: c.3174_3185dup, p.Leu1059_Tyr1062dup (NM_001134830.2, NM_001350503.2, NM_001350504.2 and 1 more transcripts).
Identifiers: ClinVar variation 1399238 (VCV001399238.6), dbSNP rs1348711822, ClinGen allele CA570978425.

ClinVar aggregate classification (germline): Uncertain significance. Review status: criteria provided, multiple submitters, no conflicts (2 of 4 stars). 2 submissions from 2 submitters: Uncertain significance (2). Last evaluated 2026-03-09.

Conditions:
Joubert syndrome 3 (JBTS3). Also called: AHI1-related Ciliopathy. Identifiers: Orphanet 220493, MedGen C1837713, MONDO:0012078, OMIM 608629.
Joubert syndrome. Also called: Familial aplasia of the vermis; JOUBERT-BOLTSHAUSER SYNDROME. Identifiers: Orphanet 475, MedGen C5979921, MONDO:0018772.

Allele frequency attached by ClinVar (database versions not stated): gnomAD exomes below 0.00001.

Submissions (2):

Myriad Genetics, Inc.
Classification: Uncertain significance for Joubert syndrome 3. Last evaluated: 2026-03-09. Review status: criteria provided, single submitter. Criteria: Myriad Autosomal Dominant, Autosomal Recessive and X-Linked Classification Criteria (2023). Collection method: clinical testing. Allele origin: unknown.
Comment: NM_001134831.1(AHI1):c.3174_3185dup12(L1059_Y1062dup) is an in-frame insertion classified as a variant of uncertain significance in the context of Joubert syndrome, AHI1-related. L1059_Y1062dup has not been observed in cases with relevant disease. Relevant functional assessments of this variant are not available in the literature. L1059_Y1062dup has been observed in referenced population frequency databases. In summary, there is insufficient evidence to classify NM_001134831.1(AHI1):c.3174_3185dup12(L1059_Y1062dup) as pathogenic or benign. Please note: this variant was assessed in the context of healthy population screening.

Labcorp Genetics (formerly Invitae), Labcorp
Classification: Uncertain significance for Joubert syndrome. Last evaluated: 2021-09-24. Review status: criteria provided, single submitter. Criteria: Invitae Variant Classification Sherloc (09022015). Collection method: clinical testing. Allele origin: germline.
Comment: This variant, c.3174_3185dup, results in the insertion of 4 amino acid(s) to the AHI1 protein (p.Leu1059_Tyr1062dup), but otherwise preserves the integrity of the reading frame. This variant is not present in population databases (ExAC no frequency). This variant has not been reported in the literature in individuals with AHI1-related conditions. Experimental studies and prediction algorithms are not available or were not evaluated, and the functional significance of this variant is currently unknown. In summary, the available evidence is currently insufficient to determine the role of this variant in disease. Therefore, it has been classified as a Variant of Uncertain Significance.